The following is an entry in ClinVar:

ClinVar aggregate classification (germline): Pathogenic/Likely pathogenic. Review status: criteria provided, multiple submitters, no conflicts (2 of 4 stars). 6 submissions from 6 submitters: Pathogenic (5); Likely pathogenic (1). Last evaluated 2026-02-11.

Conditions:
BCL11B-related disorder. Also called: BCL11B-Related Disorders.
Intellectual developmental disorder with speech delay, dysmorphic facies, and t-cell abnormalities. Also called: BCL11B-related BAFopathy. Identifiers: Orphanet 662829, MedGen C4748152, MONDO:0060763, OMIM 618092.
Immunodeficiency 49 (IMD49). Also called: IMMUNODEFICIENCY 49, SEVERE COMBINED; SEVERE COMBINED IMMUNODEFICIENCY, T CELL-NEGATIVE, B CELL-POSITIVE, NK CELL-POSITIVE, WITH INTELLECTUAL DISABILITY, SPASTICITY, AND CRANIOFACIAL ABNORMALITIES; SCID, T CELL-NEGATIVE, B CELL-POSITIVE, NK CELL-POSITIVE, WITH INTELLECTUAL DISABILITY, SPASTICITY, AND CRANIOFACIAL ABNORMALITIES. Identifiers: MedGen C4310656, MONDO:0014981, OMIM 617237.

Submissions (6):

GeneDx
Classification: Pathogenic. Last evaluated: 2026-02-11. Review status: criteria provided, single submitter. Criteria: GeneDx Variant Classification Process June 2021. Collection method: clinical testing. Allele origin: germline.
Comment: Frameshift variant predicted to result in abnormal protein length as the last 265 amino acids are replaced with 90 different amino acids, and other similar variants have been reported; Not observed at significant frequency in large population cohorts (gnomAD); This variant is associated with the following publications: (PMID: 39798569, 32135595, 37860968, 36605301)

PreventionGenetics, part of Exact Sciences
Classification: Pathogenic for BCL11B-related condition. Last evaluated: 2025-12-07. Review status: criteria provided, single submitter. Criteria: ACMG Guidelines, 2015. Collection method: clinical testing. Allele origin: germline.
Comment: The BCL11B c.1674_1680del7 variant is predicted to result in a frameshift and premature protein termination (p.Gly559Thrfs*91). This variant has been reported as de novo in an individual with neurodevelopmental disorder in a case study (reported as c.1887_1893del7, Yan et al. 2020. PubMed ID: 32135595). This variant is located in the last exon of the gene and multiple loss of function variants downstream have been reported in individuals with BCL11B associated disorders (see for example, Sabbagh et al. 2024. PubMed ID: 37860968). This variant has not been reported in a large population database (gnomAD), indicating this variant is rare. Frameshift variants in BCL11B are expected to be pathogenic. This variant is interpreted as pathogenic.

Blueprint Genetics
Classification: Pathogenic for BCL11B-related disorders. Last evaluated: 2021-10-15. Review status: criteria provided, single submitter. Criteria: ACMG Guidelines, 2015. Collection method: clinical testing. Allele origin: germline. Affected: yes. Observed: 1 variant allele.

Institute of Medical Genetics and Applied Genomics, University Hospital Tübingen
Classification: Pathogenic. Last evaluated: 2021-09-15. Review status: criteria provided, single submitter. Criteria: ACMG Guidelines, 2015. Collection method: clinical testing. Allele origin: germline. Inheritance: Autosomal dominant inheritance. Affected: yes.

3billion
Classification: Pathogenic for Immunodeficiency 49. Review status: criteria provided, single submitter. Criteria: ACMG Guidelines, 2015. Collection method: clinical testing. Allele origin: unknown. Affected: yes. Observed: 1 heterozygote.
Comment: The variant is not observed in the gnomAD v2.1.1 dataset. The variant is predicted to result in a loss or disruption of normal protein function through protein truncation. The predicted truncated protein may be shortened by more than 10%. The variant has been reported to be associated with BCL11B related disorder (ClinVar ID: VCV001275761 / PMID: 32135595). Therefore, this variant is classified as Pathogenic according to the recommendation of ACMG/AMP guideline.

Clinical Genetics Service, Universitary Hospital 12 de Octubre
Classification: Likely pathogenic for Intellectual developmental disorder with speech delay, dysmorphic facies, and t-cell abnormalities. Review status: criteria provided, single submitter. Criteria: ACMG Guidelines, 2015. Collection method: clinical testing. Allele origin: de novo. Affected: yes.

Literature cited by the submitters: PubMed 32135595 (cited by 3billion).

NM_138576.4(BCL11B):c.1887_1893del (p.Gly630fs)

Gene: BCL11B (BCL11 transcription factor B; minus strand). Cytogenetic location: 14q32.2.
Variant type: Microsatellite.
Coding change: c.1887_1893del on transcript NM_138576.4 (MANE Select); coding-DNA positions 1887 to 1893, 7 bases deleted (CGGCGGG; older notation c.1887_1893delCGGCGGG).
Protein change: p.Gly630fs; shifts the reading frame from glycine 630.
Molecular consequence: frameshift variant.
Genome position (GRCh38, 1-based): chr14:99,174,943-99,174,949, CCCGCCG deleted on the plus strand (CGGCGGG on the coding strand, the reverse complement: BCL11B is on the minus strand); deleting any 7 consecutive bases within chr14:99,174,943-99,174,957 gives the same sequence; the c. name uses the placement nearest the transcript's 3' end. VCF-style (leftmost placement, unchanged base first): chr14-99174942-CCCCGCCG-C. GRCh37 (hg19) VCF-style: chr14-99641279-CCCCGCCG-C.
Other names: c.1884_1890del, p.Gly629fs (NM_001282237.2); c.1671_1677del, p.Gly558fs (NM_001282238.2); c.1674_1680del, p.Gly559fs (NM_022898.3); c.1674_1680del7 (NM_022898.2); c.1887_1893del (NM_138576.3); short protein forms G558fs, G559fs, G629fs, G630fs.
Identifiers: ClinVar variation 1275761 (VCV001275761.8), dbSNP rs2139755925, ClinGen allele CA2580613762.